The following is an entry in ClinVar:

NM_024753.5(TTC21B):c.407A>G (p.Lys136Arg)

Genes: TTC21B-AS1 (TTC21B antisense RNA 1; plus strand), TTC21B (tetratricopeptide repeat domain 21B; minus strand). Cytogenetic location: 2q24.3.
Variant type: single nucleotide variant.
Coding change: c.407A>G on transcript NM_024753.5 (MANE Select); coding-DNA position 407, A replaced by G.
Protein change: p.Lys136Arg; replaces lysine 136 with arginine.
Molecular consequence: missense variant.
Genome position (GRCh38, 1-based): chr2:165,945,546, T>C on the plus strand (A>G on the coding strand, the complement: TTC21B is on the minus strand). VCF-style: chr2-165945546-T-C. GRCh37 (hg19) VCF-style: chr2-166802056-T-C.
Other names: short protein forms K136R.
Identifiers: ClinVar variation 1950290 (VCV001950290.4), dbSNP rs1687522900, ClinGen allele CA349053390.
Genomic context (GRCh38, chr2:165,945,546, plus strand): 5'-TTTTAATGTTATTATTTTAAACTCAGAAAAATAGCTACCTGTTTACTACCATCTGATATT[T>C]TGATCATTCTGTCAATATATTCCCTTGCTTTATCATGGCGACCAATGTGCCATAAAAATA-3'
Protein context (NP_079029.3, residues 126-146): KAREYIDRMI[Lys136Arg]ISDGSKQGHV

ClinVar aggregate classification (germline): Uncertain significance (1 of 4 stars; one submission).

Conditions:
Jeune thoracic dystrophy. Also called: Jeune syndrome; Infantile thoracic dystrophy; Thoracic pelvic phalangeal dystrophy; Jeune's syndrome; Chondroectodermal dysplasia-like syndrome; Short-rib thoracic dysplasia. Identifiers: Orphanet 474, MedGen C0265275, MONDO:0018770.
Nephronophthisis. Also called: Juvenile Nephronophthisis. Identifiers: Orphanet 655, MedGen C0687120, MONDO:0019005, HP:0000090.

Allele frequency attached by ClinVar (database versions not stated): gnomAD exomes below 0.00001; gnomAD 0.00001.
gnomAD v4.1: 4 of 1,613,520 alleles (0.00025%); highest among the groups gnomAD compares: Admixed American, 0.0017%; no homozygotes.

Submission:

Labcorp Genetics (formerly Invitae), Labcorp
Classification: Uncertain significance for Jeune thoracic dystrophy; Nephronophthisis. Last evaluated: 2025-01-06. Review status: criteria provided, single submitter. Criteria: Invitae Variant Classification Sherloc (09022015). Collection method: clinical testing. Allele origin: germline.
Comment: This sequence change replaces lysine, which is basic and polar, with arginine, which is basic and polar, at codon 136 of the TTC21B protein (p.Lys136Arg). This variant is not present in population databases (gnomAD no frequency). This variant has not been reported in the literature in individuals affected with TTC21B-related conditions. ClinVar contains an entry for this variant (Variation ID: 1950290). Invitae Evidence Modeling of protein sequence and biophysical properties (such as structural, functional, and spatial information, amino acid conservation, physicochemical variation, residue mobility, and thermodynamic stability) indicates that this missense variant is not expected to disrupt TTC21B protein function with a negative predictive value of 95%. In summary, the available evidence is currently insufficient to determine the role of this variant in disease. Therefore, it has been classified as a Variant of Uncertain Significance.